The following is an entry in ClinVar:

NM_152418.4(DCAF4L2):c.936G>A (p.Val312=)

Gene: DCAF4L2 (DDB1 and CUL4 associated factor 4 like 2; minus strand). Cytogenetic location: 8q21.3.
Variant type: single nucleotide variant.
Coding change: c.936G>A on transcript NM_152418.4 (MANE Select); coding-DNA position 936, G replaced by A.
Protein change: p.Val312=; no amino-acid change (valine 312 retained).
Molecular consequence: synonymous variant.
Genome position (GRCh38, 1-based): chr8:87,873,036, C>T on the plus strand (G>A on the coding strand, the complement: DCAF4L2 is on the minus strand). VCF-style: chr8-87873036-C-T. GRCh37 (hg19) VCF-style: chr8-88885264-C-T.
Identifiers: ClinVar variation 3045454 (VCV003045454.2), dbSNP rs773515750, ClinGen allele CA4801132.
Genomic context (GRCh38, chr8:87,873,036, plus strand): 5'-CACGGCCGCCACGACTCCTTCTTCTTCGTTCACATGCACGGGTAGGTAGGCGGAGTTATT[C>T]ACATGACCTTCGTACTGTGTTACACATTTAGTGGCCCTCAAGTCCCACAGCTTGATAGTT-3'
Protein context (NP_689631.1, residues 302-322): TKCVTQYEGH[Val312=]NNSAYLPVHV

ClinVar aggregate classification (germline): Likely benign (0 of 4 stars; one submission).

Conditions:
DCAF4L2-related disorder. Also called: DCAF4L2-related condition.

Allele frequency attached by ClinVar (database versions not stated): ExAC 0.00004; gnomAD exomes 0.00004; gnomAD 0.00012; TOPMed 0.00015.
gnomAD v4.1: 76 of 1,614,056 alleles (0.0047%); highest among the groups gnomAD compares: Admixed American, 0.11%; no homozygotes.

Submission:

PreventionGenetics, part of Exact Sciences
Classification: Likely benign for DCAF4L2-related condition. Last evaluated: 2019-10-28. Review status: no assertion criteria provided. Collection method: clinical testing. Allele origin: germline.
Comment: This variant is classified as likely benign based on ACMG/AMP sequence variant interpretation guidelines (Richards et al. 2015 PMID: 25741868, with internal and published modifications).